The following is an entry in ClinVar:

NM_207037.2(TCF12):c.2043_2049del (p.Ala683fs)

Gene: TCF12 (transcription factor 12; plus strand). Cytogenetic location: 15q21.3.
Variant type: Deletion.
Coding change: c.2043_2049del on transcript NM_207037.2 (MANE Select); coding-DNA positions 2043 to 2049, 7 bases deleted (ATCGGCA; older notation c.2043_2049delATCGGCA).
Protein change: p.Ala683fs; shifts the reading frame from alanine 683.
Molecular consequence: frameshift variant.
Genome position (GRCh38, 1-based): chr15:57,282,509-57,282,515, ATCGGCA deleted. VCF-style (leftmost placement, unchanged base first): chr15-57282508-TATCGGCA-T. GRCh37 (hg19) VCF-style: chr15-57574706-TATCGGCA-T.
Other names: c.1533_1539del, p.Ala513fs (NM_001306219.3); c.1263_1269del, p.Ala423fs (NM_001306220.3); c.2043_2049del, p.Ala683fs (NM_001322151.2, NM_001322159.3, NM_001322162.2 and 1 more transcripts); c.2040_2046del, p.Ala682fs (NM_001322152.2, NM_001322161.2); c.1386_1392del, p.Ala464fs (NM_001322154.2); c.1869_1875del, p.Ala625fs (NM_001322156.2); c.1971_1977del, p.Ala659fs (NM_001322157.3, NM_001322165.2, NM_003205.4 and 1 more transcripts); c.1797_1803del, p.Ala601fs (NM_001322158.2); and 2 more; short protein forms A423fs, A464fs, A625fs, A683fs, A659fs, A682fs, A489fs, A601fs.
Identifiers: ClinVar variation 5008525 (VCV005008525.1).
Genomic context (GRCh38, chr15:57,282,508, plus strand): 5'-GGAACCTTAACCCCAAAGCAGCCTGCCTTAAGAGAAGGGAAGAAGAAAAAGTTTCTGCCG[TATCGGCA>T]GAGCCGCCAACCACACTGCCAGGAACCCATCCTGGGCTTAGTGAAACTACCAACCCTATG-3'

ClinVar aggregate classification (germline): Uncertain significance (1 of 4 stars; one submission).

Submission:

GeneDx
Classification: Uncertain significance. Last evaluated: 2026-03-06. Review status: criteria provided, single submitter. Criteria: GeneDx Variant Classification Process June 2021. Collection method: clinical testing. Allele origin: germline.
Comment: Not observed at significant frequency in large population cohorts (gnomAD); Frameshift variant predicted to result in abnormal protein length as the last 24 amino acid(s) are replaced with 33 different amino acid(s); Has not been previously published as pathogenic or benign to our knowledge